The following is an entry in ClinVar:

ClinVar aggregate classification (germline): Likely pathogenic (1 of 4 stars; one submission).

Conditions:
Catecholaminergic polymorphic ventricular tachycardia 1. Also called: RYR2-Related Catecholaminergic Polymorphic Ventricular Tachycardia; VENTRICULAR TACHYCARDIA, CATECHOLAMINERGIC POLYMORPHIC, 1, WITH OR WITHOUT ATRIAL DYSFUNCTION AND/OR DILATED CARDIOMYOPATHY; VENTRICULAR TACHYCARDIA, STRESS-INDUCED POLYMORPHIC 1. Identifiers: Orphanet 3286, MedGen C1631597, MONDO:0011484, OMIM 604772.

Submission:

Labcorp Genetics (formerly Invitae), Labcorp
Classification: Likely pathogenic for Catecholaminergic polymorphic ventricular tachycardia 1. Last evaluated: 2023-04-10. Review status: criteria provided, single submitter. Criteria: Invitae Variant Classification Sherloc (09022015). Collection method: clinical testing. Allele origin: germline.
Comment: In summary, the currently available evidence indicates that the variant is pathogenic, but additional data are needed to prove that conclusively. Therefore, this variant has been classified as Likely Pathogenic. Advanced modeling of protein sequence and biophysical properties (such as structural, functional, and spatial information, amino acid conservation, physicochemical variation, residue mobility, and thermodynamic stability) performed at Invitae indicates that this missense variant is expected to disrupt RYR2 protein function. This missense change has been observed in individuals with autosomal dominant catecholaminergic polymorphic ventricular tachycardia (PMID: 29434162; Invitae). This variant is not present in population databases (gnomAD no frequency). This sequence change replaces asparagine, which is neutral and polar, with lysine, which is basic and polar, at codon 2291 of the RYR2 protein (p.Asn2291Lys).

Literature cited by the submitters: PubMed 29434162.

NM_001035.3(RYR2):c.6873C>A (p.Asn2291Lys)

Gene: RYR2 (ryanodine receptor 2; plus strand). Cytogenetic location: 1q43.
Variant type: single nucleotide variant.
Coding change: c.6873C>A on transcript NM_001035.3 (MANE Select); coding-DNA position 6873, C replaced by A.
Protein change: p.Asn2291Lys; replaces asparagine 2291 with lysine.
Molecular consequence: missense variant.
Genome position (GRCh38, 1-based): chr1:237,638,437, C>A. VCF-style: chr1-237638437-C-A. GRCh37 (hg19) VCF-style: chr1-237801737-C-A.
Other names: short protein forms N2291K.
Identifiers: ClinVar variation 2883988 (VCV002883988.3), dbSNP rs2546959354, ClinGen allele CA345395594.